The following is an entry in ClinVar:

NM_007118.4(TRIO):c.4649dup (p.Asp1551fs)

Genes: TRIO (trio Rho guanine nucleotide exchange factor; plus strand), LOC126807321 (BRD4-independent group 4 enhancer GRCh37_chr5:14399912-14401111; plus strand). Cytogenetic location: 5p15.2.
Variant type: Duplication.
Coding change: c.4649dup on transcript NM_007118.4 (MANE Select); coding-DNA position 4649, one base duplicated (G; older notation c.4649dupG).
Protein change: p.Asp1551fs; shifts the reading frame from aspartic acid 1551.
Molecular consequence: frameshift variant. On other transcripts: non-coding transcript variant (1).
Genome position (GRCh38, 1-based): chr5:14,400,997, G duplicated; the last of 2 consecutive G bases (chr5:14,400,996-14,400,997); duplicating either gives the same sequence. VCF-style (leftmost placement, unchanged base first): chr5-14400995-A-AG. GRCh37 (hg19) VCF-style: chr5-14401104-A-AG.
Other names: short protein forms D1551fs.
Identifiers: ClinVar variation 2626872 (VCV002626872.1), dbSNP rs2532980661, ClinGen allele CA2582341250.

ClinVar aggregate classification (germline): Likely pathogenic (1 of 4 stars; one submission).

Conditions:
Intellectual developmental disorder, autosomal dominant 44, with microcephaly. Also called: TRIO-Related Intellectual Disability; Micrognathia-recurrent infections-behavioral abnormalities-mild intellectual disability syndrome. Identifiers: Orphanet 476126, MedGen C4310740, MONDO:0014892, OMIM 617061.

Submission:

Greenwood Genetic Center Diagnostic Laboratories, Greenwood Genetic Center
Classification: Likely pathogenic for Intellectual developmental disorder, autosomal dominant 44, with microcephaly. Last evaluated: 2023-07-05. Review status: criteria provided, single submitter. Criteria: ACMG Guidelines, 2015. Collection method: clinical testing. Allele origin: germline. Affected: yes.
Comment: PVS1, PM2